The following is an entry in ClinVar:

ClinVar aggregate classification (germline): Uncertain significance (1 of 4 stars; one submission).

Allele frequency attached by ClinVar (database versions not stated): gnomAD exomes below 0.00001; gnomAD 0.00001.
gnomAD v4.1: 7 of 1,613,864 alleles (0.00043%); highest among the groups gnomAD compares: African/African-American, 0.0013%; no homozygotes.

Submission:

GeneDx
Classification: Uncertain significance. Last evaluated: 2019-12-18. Review status: criteria provided, single submitter. Criteria: GeneDx Variant Classification Process June 2021. Collection method: clinical testing. Allele origin: germline. Affected: yes.
Comment: Not observed in large population cohorts (Lek 2016); In silico analysis, which includes protein predictors and evolutionary conservation, supports a deleterious effect; Has not been previously published as pathogenic or benign to our knowledge

NM_001211.6(BUB1B):c.203T>G (p.Phe68Cys)

Gene: BUB1B (BUB1 mitotic checkpoint serine/threonine kinase B; plus strand). Cytogenetic location: 15q15.1.
Variant type: single nucleotide variant.
Coding change: c.203T>G on transcript NM_001211.6 (MANE Select); coding-DNA position 203, T replaced by G.
Protein change: p.Phe68Cys; replaces phenylalanine 68 with cysteine.
Molecular consequence: missense variant.
Genome position (GRCh38, 1-based): chr15:40,170,085, T>G. VCF-style: chr15-40170085-T-G. GRCh37 (hg19) VCF-style: chr15-40462286-T-G.
Other names: short protein forms F68C.
Identifiers: ClinVar variation 1320447 (VCV001320447.2), dbSNP rs2037144342, ClinGen allele CA391678418.